The following is an entry in ClinVar:

NM_001038603.3(MARVELD2):c.379C>T (p.Arg127Cys)

Gene: MARVELD2 (MARVEL domain containing 2; plus strand). Cytogenetic location: 5q13.2.
Variant type: single nucleotide variant.
Coding change: c.379C>T on transcript NM_001038603.3 (MANE Select); coding-DNA position 379, C replaced by T.
Protein change: p.Arg127Cys; replaces arginine 127 with cysteine.
Molecular consequence: missense variant.
Genome position (GRCh38, 1-based): chr5:69,419,764, C>T. VCF-style: chr5-69419764-C-T. GRCh37 (hg19) VCF-style: chr5-68715591-C-T.
Other names: c.379C>T, p.Arg127Cys (NM_001244734.2); short protein forms R127C.
Identifiers: ClinVar variation 3252739 (VCV003252739.2), dbSNP rs201248989.

ClinVar aggregate classification (germline): Uncertain significance. Review status: criteria provided, multiple submitters, no conflicts (2 of 4 stars). 2 submissions from 2 submitters: Uncertain significance (2). Last evaluated 2024-07-27.

Conditions:
Inborn genetic diseases. Identifiers: MedGen C0950123, MeSH D030342.

Allele frequency attached by ClinVar (database versions not stated): TOPMed 0.00002; ExAC 0.00003; gnomAD 0.00005; ESP Exome Variant Server 0.00008; gnomAD exomes 0.00008.

Submissions (2):

Ambry Genetics
Classification: Uncertain significance for Inborn genetic diseases. Last evaluated: 2024-07-27. Review status: criteria provided, single submitter. Criteria: Ambry Variant Classification Scheme 2023. Collection method: clinical testing. Allele origin: germline.

GeneDx
Classification: Uncertain significance. Last evaluated: 2024-05-07. Review status: criteria provided, single submitter. Criteria: GeneDx Variant Classification Process June 2021. Collection method: clinical testing. Allele origin: germline. Affected: yes.
Comment: In silico analysis indicates that this missense variant does not alter protein structure/function; Has not been previously published as pathogenic or benign to our knowledge